The following is an entry in ClinVar:

NM_000535.7(PMS2):c.251-3C>T

Gene: PMS2 (PMS1 homolog 2, mismatch repair system component; minus strand). Cytogenetic location: 7p22.1.
Variant type: single nucleotide variant.
Coding change: c.251-3C>T on transcript NM_000535.7 (MANE Select); 3 bases into the intron before coding-DNA position 251, C replaced by T.
Molecular consequence: intron variant. On other transcripts: missense variant (1).
Genome position (GRCh38, 1-based): chr7:6,003,795, G>A on the plus strand (C>T on the coding strand, the complement: PMS2 is on the minus strand). VCF-style: chr7-6003795-G-A. GRCh37 (hg19) VCF-style: chr7-6043426-G-A.
Other names: c.-634-3C>T (NM_001322012.2, NM_001322011.2); c.-155-3C>T (NM_001406905.1, NM_001406906.1, NM_001406910.1 and 13 more transcripts); c.-234-3C>T (NM_001322015.2, NM_001406878.1, NM_001406882.1 and 3 more transcripts); c.-52-1159C>T (NM_001406896.1); c.250+177C>T (NM_001406885.1); c.35+177C>T (NM_001406901.1, NM_001406903.1, NM_001322007.2 and 4 more transcripts); c.-132+177C>T (NM_001406900.1, NM_001406881.1); c.-102-3C>T (NM_001406909.1, NM_001406907.1, NM_001406892.1 and 6 more transcripts); and 5 more; short protein forms S91L.
Identifiers: ClinVar variation 2451604 (VCV002451604.2), dbSNP rs1785386998, ClinGen allele CA1097975487.

ClinVar aggregate classification (germline): Uncertain significance (1 of 4 stars; one submission).

Conditions:
Hereditary cancer-predisposing syndrome. Also called: Neoplastic Syndromes, Hereditary; Tumor predisposition; Hereditary neoplastic syndrome; Hereditary Cancer Syndrome. Identifiers: Orphanet 140162, MedGen C0027672, MeSH D009386, MONDO:0015356.

Allele frequency attached by ClinVar (database versions not stated): gnomAD 0.00001.
gnomAD v4.1: 1 of 1,582,412 alleles (0.000063%); highest among the groups gnomAD compares: African/African-American, 0.0013%; no homozygotes.

Submission:

Ambry Genetics
Classification: Uncertain significance for Hereditary cancer-predisposing syndrome. Last evaluated: 2023-01-29. Review status: criteria provided, single submitter. Criteria: Ambry Variant Classification Scheme 2023. Collection method: clinical testing. Allele origin: germline.
Comment: The c.251-3C>T intronic variant results from a C to T substitution 3 nucleotides upstream from coding exon 4 in the PMS2 gene. This nucleotide position is well conserved in available vertebrate species. In silico splice site analysis for this alteration is inconclusive. Since supporting evidence is limited at this time, the clinical significance of this alteration remains unclear.